The following is an entry in ClinVar:

NM_001079866.2(BCS1L):c.487G>A (p.Glu163Lys)

Gene: BCS1L (BCS1 homolog, ubiquinol-cytochrome c reductase complex chaperone; plus strand). Cytogenetic location: 2q35.
Variant type: single nucleotide variant.
Coding change: c.487G>A on transcript NM_001079866.2 (MANE Select); coding-DNA position 487, G replaced by A.
Protein change: p.Glu163Lys; replaces glutamic acid 163 with lysine.
Molecular consequence: missense variant. On other transcripts: 5 prime UTR variant (6), non-coding transcript variant (1).
Genome position (GRCh38, 1-based): chr2:218,661,785, G>A. VCF-style: chr2-218661785-G-A. GRCh37 (hg19) VCF-style: chr2-219526508-G-A.
Other names: c.487G>A, p.Glu163Lys (NM_001257342.2, NM_001257343.2, NM_001257344.2 and 10 more transcripts); c.127G>A, p.Glu43Lys (NM_001318836.2, NM_001371451.1); c.-15G>A (NM_001371452.1, NM_001371453.1, NM_001371454.1 and 3 more transcripts); short protein forms E163K, E43K.
Identifiers: ClinVar variation 2573520 (VCV002573520.1), dbSNP rs1042987872, ClinGen allele CA65808938.
Genomic context (GRCh38, chr2:218,661,785, plus strand): 5'-AATTATTGGCTTTATCTCATCTTCTCCTTCCCAGCTCGAGAGCTAGCCTTGCAGCAGGAG[G>A]AAGGGAAGACCGTGATGTACACAGCTGTGGGCTCTGAATGGCGTCCCTTTGGCTATCCAC-3'
Protein context (NP_001073335.1, residues 153-173): EARELALQQE[Glu163Lys]GKTVMYTAVG

ClinVar aggregate classification (germline): Uncertain significance (1 of 4 stars; one submission).

Allele frequency attached by ClinVar (database versions not stated): gnomAD 0.00001; gnomAD exomes 0.00001; TOPMed 0.00001.
gnomAD v4.1: 15 of 1,610,008 alleles (0.00093%); highest among the groups gnomAD compares: Non-Finnish European, 0.0013%; no homozygotes.

Submission:

Women's Health and Genetics/Laboratory Corporation of America, LabCorp
Classification: Uncertain significance. Last evaluated: 2023-06-20. Review status: criteria provided, single submitter. Criteria: LabCorp Variant Classification Summary - May 2015. Collection method: clinical testing. Allele origin: germline.
Comment: Variant summary: BCS1L c.487G>A (p.Glu163Lys) results in a conservative amino acid change located in the N-terminal region (IPR014851) of the encoded protein sequence. Three of five in-silico tools predict a benign effect of the variant on protein function. The variant was absent in 250998 control chromosomes. The available data on variant occurrences in the general population are insufficient to allow any conclusion about variant significance. c.487G>A has been reported in the literature as a biallelic compound heterozygous genotype in at least one individual affected with BCS1L-related conditions. To our knowledge, no experimental evidence demonstrating an impact on protein function has been reported. The following publication has been ascertained in the context of this evaluation (PMID: 34662929). No submitters have cited clinical-significance assessments for this variant to ClinVar after 2014. Based on the evidence outlined above, the variant was classified as uncertain significance.

Literature cited by the submitters: PubMed 34662929.